The following is an entry in ClinVar:

ClinVar aggregate classification (germline): Pathogenic. Review status: criteria provided, multiple submitters, no conflicts (2 of 4 stars). 2 submissions from 2 submitters: Pathogenic (2). Last evaluated 2024-12-12.

Conditions:
RHO-related disorder. Also called: RHO-related condition.

Submissions (2):

Labcorp Genetics (formerly Invitae), Labcorp
Classification: Pathogenic. Last evaluated: 2024-12-12. Review status: criteria provided, single submitter. Criteria: Invitae Variant Classification Sherloc (09022015). Collection method: clinical testing. Allele origin: germline.
Comment: This sequence change disrupts the translational stop signal of the RHO mRNA. It is expected to extend the length of the RHO protein by 51 additional amino acid residues. This variant is not present in population databases (gnomAD no frequency). This protein extension has been observed in individuals with autosomal dominant retinitis pigmentosa (PMID: 16799052, 31960602; internal data). This variant is also known as Ter345Gln. ClinVar contains an entry for this variant (Variation ID: 866186). This variant results in an extension of the RHO protein. Other variant(s) that result in a similarly extended protein product (p.*349Glnext*51) have been determined to be pathogenic (PMID: 10189219, 23940033). This suggests that these extensions are likely to be disease-causing. For these reasons, this variant has been classified as Pathogenic.

Blueprint Genetics
Classification: Pathogenic for RHO-related disorders. Last evaluated: 2022-03-24. Review status: criteria provided, single submitter. Criteria: ACMG Guidelines, 2015. Collection method: clinical testing. Allele origin: germline. Affected: yes. Observed: 4 variant alleles.

Literature cited by the submitters: PubMed 16799052 (cited by Labcorp Genetics (formerly Invitae), Labcorp); PubMed 31960602 (cited by Labcorp Genetics (formerly Invitae), Labcorp); PubMed 10189219 (cited by Labcorp Genetics (formerly Invitae), Labcorp); PubMed 23940033 (cited by Labcorp Genetics (formerly Invitae), Labcorp).

NM_000539.3(RHO):c.1045T>C (p.Ter349Gln)

Gene: RHO (rhodopsin; plus strand). Cytogenetic location: 3q22.1.
Variant type: single nucleotide variant.
Coding change: c.1045T>C on transcript NM_000539.3 (MANE Select); coding-DNA position 1045, T replaced by C.
Protein change: p.Ter349Gln.
Molecular consequence: stop lost.
Genome position (GRCh38, 1-based): chr3:129,533,716, T>C. VCF-style: chr3-129533716-T-C. GRCh37 (hg19) VCF-style: chr3-129252559-T-C.
Other names: *349Q.
Identifiers: ClinVar variation 866186 (VCV000866186.10), dbSNP rs2084801700, ClinGen allele CA354471287.